The following is an entry in ClinVar:

ClinVar aggregate classification (germline): Uncertain significance (1 of 4 stars; one submission).

Submission:

Ambry Genetics
Classification: Uncertain significance. Last evaluated: 2026-03-08. Review status: criteria provided, single submitter. Criteria: Ambry Variant Classification Scheme 2023. Collection method: clinical testing. Allele origin: germline.
Comment: The p.S449R variant (also known as c.1347C>A), located in coding exon 8 of the RNF43 gene, results from a C to A substitution at nucleotide position 1347. The serine at codon 449 is replaced by arginine, an amino acid with dissimilar properties. This amino acid position is conserved. In addition, this alteration is predicted to be tolerated by in silico analysis. Based on the available evidence, the clinical significance of this variant remains unclear.

NM_017763.6(RNF43):c.1347C>A (p.Ser449Arg)

Gene: RNF43 (ring finger protein 43; minus strand). Cytogenetic location: 17q22.
Variant type: single nucleotide variant.
Coding change: c.1347C>A on transcript NM_017763.6 (MANE Select); coding-DNA position 1347, C replaced by A.
Protein change: p.Ser449Arg; replaces serine 449 with arginine.
Molecular consequence: missense variant.
Genome position (GRCh38, 1-based): chr17:58,358,429, G>T on the plus strand (C>A on the coding strand, the complement: RNF43 is on the minus strand). VCF-style: chr17-58358429-G-T. GRCh37 (hg19) VCF-style: chr17-56435790-G-T.
Other names: c.1347C>A, p.Ser449Arg (NM_001305544.3, NM_001438820.1, NM_001438821.1 and 1 more transcripts); c.966C>A, p.Ser322Arg (NM_001305545.2, NM_001437987.1); short protein forms S322R, S449R.
Identifiers: ClinVar variation 4826154 (VCV004826154.1).